The following is an entry in ClinVar:

NM_004369.4(COL6A3):c.3106G>A (p.Gly1036Ser)

Gene: COL6A3 (collagen type VI alpha 3 chain; minus strand). Cytogenetic location: 2q37.3.
Variant type: single nucleotide variant.
Coding change: c.3106G>A on transcript NM_004369.4 (MANE Select); coding-DNA position 3106, G replaced by A.
Protein change: p.Gly1036Ser; replaces glycine 1036 with serine.
Molecular consequence: missense variant.
Genome position (GRCh38, 1-based): chr2:237,374,985, C>T on the plus strand (G>A on the coding strand, the complement: COL6A3 is on the minus strand). VCF-style: chr2-237374985-C-T. GRCh37 (hg19) VCF-style: chr2-238283628-C-T.
Other names: c.1885G>A, p.Gly629Ser (NM_057164.5); c.2488G>A, p.Gly830Ser (NM_057165.5, NM_057167.4); c.1285G>A, p.Gly429Ser (NM_057166.5); short protein forms G629S, G830S, G1036S, G429S.
Identifiers: ClinVar variation 2043814 (VCV002043814.5), dbSNP rs2469907185, ClinGen allele CA351205855.

ClinVar aggregate classification (germline): Uncertain significance. Review status: criteria provided, multiple submitters, no conflicts (2 of 4 stars). 2 submissions from 2 submitters: Uncertain significance (2). Last evaluated 2026-03-28.

Conditions:
Bethlem myopathy 1A. Also called: MYOPATHY, BENIGN CONGENITAL, WITH CONTRACTURES; Bethlem myopathy 1; Bethlem Muscular Dystrophy. Identifiers: Orphanet 610, MedGen CN029274, MONDO:0024530, OMIM 158810.

Allele frequency attached by ClinVar (database versions not stated): gnomAD exomes below 0.00001.
gnomAD v4.1: 1 of 1,613,934 alleles (0.000062%); highest among the groups gnomAD compares: Non-Finnish European, 0.000085%; no homozygotes.

Submissions (2):

GeneDx
Classification: Uncertain significance. Last evaluated: 2026-03-28. Review status: criteria provided, single submitter. Criteria: GeneDx Variant Classification Process June 2021. Collection method: clinical testing. Allele origin: germline.
Comment: Not observed at significant frequency in large population cohorts (gnomAD); In silico analysis supports that this missense variant has a deleterious effect on protein structure/function; Has not been previously published as pathogenic or benign to our knowledge

Labcorp Genetics (formerly Invitae), Labcorp
Classification: Uncertain significance for Bethlem myopathy 1A. Last evaluated: 2021-12-15. Review status: criteria provided, single submitter. Criteria: Invitae Variant Classification Sherloc (09022015). Collection method: clinical testing. Allele origin: germline.
Comment: In summary, the available evidence is currently insufficient to determine the role of this variant in disease. Therefore, it has been classified as a Variant of Uncertain Significance. Algorithms developed to predict the effect of sequence changes on RNA splicing suggest that this variant may create or strengthen a splice site. Algorithms developed to predict the effect of missense changes on protein structure and function (SIFT, PolyPhen-2, Align-GVGD) all suggest that this variant is likely to be disruptive. This variant has not been reported in the literature in individuals affected with COL6A3-related conditions. This variant is not present in population databases (gnomAD no frequency). This sequence change replaces glycine, which is neutral and non-polar, with serine, which is neutral and polar, at codon 1036 of the COL6A3 protein (p.Gly1036Ser).